The following is an entry in ClinVar:

NM_004204.5(PIGQ):c.1435G>A (p.Ala479Thr)

Gene: PIGQ (phosphatidylinositol glycan anchor biosynthesis class Q; plus strand). Cytogenetic location: 16p13.3.
Variant type: single nucleotide variant.
Coding change: c.1435G>A on transcript NM_004204.5 (MANE Select); coding-DNA position 1435, G replaced by A.
Protein change: p.Ala479Thr; replaces alanine 479 with threonine.
Molecular consequence: missense variant.
Genome position (GRCh38, 1-based): chr16:580,876, G>A. VCF-style: chr16-580876-G-A. GRCh37 (hg19) VCF-style: chr16-630876-G-A.
Other names: c.1435G>A, p.Ala479Thr (NM_148920.4); short protein forms A479T.
Identifiers: ClinVar variation 1494394 (VCV001494394.11), dbSNP rs982164826, ClinGen allele CA276487500.
Genomic context (GRCh38, chr16:580,876, plus strand): 5'-GCGCGTCTGGCCGGGCCGGTCCTAAATGCTCCTCTGCCACAGCTCCGGCTCCTGGTGGTC[G>A]CCGTGCAGGGCCTGATCCATCTGCTCGTGGACCTCATCAACTCCCTGCCGCTGTACTCAC-3'
Protein context (NP_004195.2, residues 469-489): VFTLLRLLVV[Ala479Thr]VQGLIHLLVD

ClinVar aggregate classification (germline): Conflicting classifications of pathogenicity. Review status: criteria provided, conflicting classifications (1 of 4 stars). 3 submissions from 3 submitters: Uncertain significance (2); Likely benign (1). Last evaluated 2025-12-01.

Conditions:
Epilepsy. Also called: Seizure disorder. Identifiers: MedGen C0014544, MeSH D004827, MONDO:0005027.

Allele frequency attached by ClinVar (database versions not stated): gnomAD 0.00001; gnomAD exomes 0.00001 and 0.00002; TOPMed 0.00002.
gnomAD v4.1: 35 of 1,551,606 alleles (0.0023%); highest among the groups gnomAD compares: Non-Finnish European, 0.0029%; no homozygotes.

Submissions (3):

CeGaT Center for Human Genetics Tuebingen
Classification: Uncertain significance. Last evaluated: 2025-12-01. Review status: criteria provided, single submitter. Criteria: CeGaT Center For Human Genetics Tuebingen Variant Classification Criteria Version 2. Collection method: clinical testing. Allele origin: germline. Affected: yes. Observed: 1 variant allele.
Comment: PIGQ: PM2, BP4

Blueprint Genetics
Classification: Likely benign. Last evaluated: 2023-05-08. Review status: criteria provided, single submitter. Criteria: ACMG Guidelines, 2015. Collection method: clinical testing. Allele origin: germline.

Labcorp Genetics (formerly Invitae), Labcorp
Classification: Uncertain significance for Epilepsy. Last evaluated: 2021-09-01. Review status: criteria provided, single submitter. Criteria: Invitae Variant Classification Sherloc (09022015). Collection method: clinical testing. Allele origin: germline.
Comment: This sequence change replaces alanine with threonine at codon 479 of the PIGQ protein (p.Ala479Thr). The alanine residue is weakly conserved and there is a small physicochemical difference between alanine and threonine. This variant is not present in population databases (ExAC no frequency). This variant has not been reported in the literature in individuals affected with PIGQ-related conditions. Algorithms developed to predict the effect of missense changes on protein structure and function output the following: SIFT: "Tolerated"; PolyPhen-2: "Benign"; Align-GVGD: "Class C0". The threonine amino acid residue is found in multiple mammalian species, which suggests that this missense change does not adversely affect protein function. In summary, the available evidence is currently insufficient to determine the role of this variant in disease. Therefore, it has been classified as a Variant of Uncertain Significance.